The following is an entry in ClinVar:

NM_020812.4(DOCK6):c.3191T>C (p.Leu1064Pro)

Gene: DOCK6 (dedicator of cytokinesis 6; minus strand). Cytogenetic location: 19p13.2.
Variant type: single nucleotide variant.
Coding change: c.3191T>C on transcript NM_020812.4 (MANE Select); coding-DNA position 3191, T replaced by C.
Protein change: p.Leu1064Pro; replaces leucine 1064 with proline.
Molecular consequence: missense variant.
Genome position (GRCh38, 1-based): chr19:11,222,784, A>G on the plus strand (T>C on the coding strand, the complement: DOCK6 is on the minus strand). VCF-style: chr19-11222784-A-G. GRCh37 (hg19) VCF-style: chr19-11333460-A-G.
Other names: c.3296T>C, p.Leu1099Pro (NM_001367830.1); short protein forms L1064P, L1099P.
Identifiers: ClinVar variation 1210020 (VCV001210020.9), dbSNP rs370735885, ClinGen allele CA9207336.
Genomic context (GRCh38, chr19:11,222,784, plus strand): 5'-AGGCAGCCCACCTGGGAGGTGGTGGAGGACACAGAGGGGGAGGGCGAGGCTGGAGGTGAC[A>G]GGGGGCAGCAGGGGAGGTTGAGGGTCACGTAGTGCTCGTGGCTGCACAGGATGCGGGTGA-3'
Protein context (NP_065863.2, residues 1054-1074): YVTLNLPCCP[Leu1064Pro]SPPASPSPSV

ClinVar aggregate classification (germline): Uncertain significance. Review status: criteria provided, multiple submitters, no conflicts (2 of 4 stars). 4 submissions from 4 submitters: Uncertain significance (2). 2 of the submissions do not count toward it. Last evaluated 2022-07-26.

Allele frequency attached by ClinVar (database versions not stated): gnomAD exomes 0.00007 and 0.00012; ESP Exome Variant Server 0.00008; gnomAD 0.00013 and 0.00015; TOPMed 0.00014; 1000 Genomes Project 30x 0.00016; ExAC 0.00025.

Submissions (4):

Labcorp Genetics (formerly Invitae), Labcorp
Classification: Uncertain significance. Last evaluated: 2022-07-26. Review status: criteria provided, single submitter. Criteria: Invitae Variant Classification Sherloc (09022015). Collection method: clinical testing. Allele origin: germline.
Comment: This sequence change replaces leucine, which is neutral and non-polar, with proline, which is neutral and non-polar, at codon 1064 of the DOCK6 protein (p.Leu1064Pro). This variant is present in population databases (rs370735885, gnomAD 0.02%). This variant has not been reported in the literature in individuals affected with DOCK6-related conditions. ClinVar contains an entry for this variant (Variation ID: 1210020). Algorithms developed to predict the effect of missense changes on protein structure and function are either unavailable or do not agree on the potential impact of this missense change (SIFT: "Deleterious"; PolyPhen-2: "Possibly Damaging"; Align-GVGD: "Class C0"). In summary, the available evidence is currently insufficient to determine the role of this variant in disease. Therefore, it has been classified as a Variant of Uncertain Significance.

Breakthrough Genomics
Classification: Uncertain significance. Review status: criteria provided, single submitter. Criteria: ACMG Guidelines, 2015. Collection method: not provided. Allele origin: germline. Inheritance: Autosomal recessive inheritance. Affected: yes.

Genome Diagnostics Laboratory, Amsterdam University Medical Center
Classification: Uncertain significance. Review status: no assertion criteria provided. Collection method: clinical testing. Allele origin: germline. Affected: yes. Study: VKGL Data-share Consensus. Not counted in ClinVar's aggregate classification.

Joint Genome Diagnostic Labs from Nijmegen and Maastricht, Radboudumc and MUMC+
Classification: Uncertain significance. Review status: no assertion criteria provided. Collection method: clinical testing. Allele origin: germline. Affected: yes. Study: VKGL Data-share Consensus. Not counted in ClinVar's aggregate classification.